The following is an entry in ClinVar:

ClinVar aggregate classification (germline): Uncertain significance (1 of 4 stars; one submission).

Conditions:
Combined immunodeficiency due to DOCK8 deficiency (HIES2). Also called: HIES autosomal recessive; HYPER-IgE RECURRENT INFECTION SYNDROME 2, AUTOSOMAL RECESSIVE; DOCK8 Deficiency; HYPER-IgE SYNDROME 2, AUTOSOMAL RECESSIVE, WITH RECURRENT INFECTIONS; Hyper-IgE recurrent infection syndrome, autosomal recessive. Identifiers: Orphanet 217390, MedGen C4722305, MONDO:0009478, OMIM 243700.

Submission:

Labcorp Genetics (formerly Invitae), Labcorp
Classification: Uncertain significance for Combined immunodeficiency due to DOCK8 deficiency. Last evaluated: 2024-10-07. Review status: criteria provided, single submitter. Criteria: Invitae Variant Classification Sherloc (09022015). Collection method: clinical testing. Allele origin: germline.
Comment: This sequence change falls in intron 27 of the DOCK8 gene. It does not directly change the encoded amino acid sequence of the DOCK8 protein. It affects a nucleotide within the consensus splice site. This variant is not present in population databases (gnomAD no frequency). This variant has not been reported in the literature in individuals affected with DOCK8-related conditions. ClinVar contains an entry for this variant (Variation ID: 2109394). Variants that disrupt the consensus splice site are a relatively common cause of aberrant splicing (PMID: 17576681, 9536098). Algorithms developed to predict the effect of sequence changes on RNA splicing suggest that this variant may disrupt the consensus splice site. In summary, the available evidence is currently insufficient to determine the role of this variant in disease. Therefore, it has been classified as a Variant of Uncertain Significance.

Literature cited by the submitters: PubMed 17576681; PubMed 9536098.

NM_203447.4(DOCK8):c.3390+4A>G

Gene: DOCK8 (dedicator of cytokinesis 8; plus strand). Cytogenetic location: 9p24.3.
Variant type: single nucleotide variant.
Coding change: c.3390+4A>G on transcript NM_203447.4 (MANE Select); 4 bases into the intron after coding-DNA position 3390, A replaced by G.
Molecular consequence: intron variant.
Genome position (GRCh38, 1-based): chr9:405,077, A>G. VCF-style: chr9-405077-A-G. GRCh37 (hg19) VCF-style: chr9-405077-A-G.
Other names: c.3186+4A>G (NM_001193536.2); c.3090+4A>G (NM_001190458.2).
Identifiers: ClinVar variation 2109394 (VCV002109394.4), dbSNP rs2538664121, ClinGen allele CA372757982.